The following is an entry in ClinVar:

NM_001364905.1(LRBA):c.7187A>G (p.Asn2396Ser)

Gene: LRBA (LPS responsive beige-like anchor protein; minus strand). Cytogenetic location: 4q31.3.
Variant type: single nucleotide variant.
Coding change: c.7187A>G on transcript NM_001364905.1 (MANE Select); coding-DNA position 7187, A replaced by G.
Protein change: p.Asn2396Ser; replaces asparagine 2396 with serine.
Molecular consequence: missense variant.
Genome position (GRCh38, 1-based): chr4:150,415,445, T>C on the plus strand (A>G on the coding strand, the complement: LRBA is on the minus strand). VCF-style: chr4-150415445-T-C. GRCh37 (hg19) VCF-style: chr4-151336597-T-C.
Other names: c.7187A>G, p.Asn2396Ser (NM_001199282.3, NM_001367550.1); c.7220A>G, p.Asn2407Ser (NM_006726.5); short protein forms N2407S, N2396S.
Identifiers: ClinVar variation 540386 (VCV000540386.7), dbSNP rs149731019, ClinGen allele CA3101717.

ClinVar aggregate classification (germline): Uncertain significance. Review status: criteria provided, multiple submitters, no conflicts (2 of 4 stars). 2 submissions from 2 submitters: Uncertain significance (2). Last evaluated 2025-11-26.

Conditions:
Inborn genetic diseases. Identifiers: MedGen C0950123, MeSH D030342.
Combined immunodeficiency due to LRBA deficiency. Also called: Common variable immunodeficiency 8, with autoimmunity. Identifiers: Orphanet 445018, MedGen C3553512, MONDO:0013863, OMIM 614700.

Allele frequency attached by ClinVar (database versions not stated): gnomAD exomes 0.00001 and 0.00003; gnomAD 0.00012 and 0.00010; ExAC 0.00002; TOPMed 0.00012; ESP Exome Variant Server 0.00008.
gnomAD v4.1: 31 of 1,613,142 alleles (0.0019%); highest among the groups gnomAD compares: African/African-American, 0.037%; no homozygotes.

Submissions (2):

Ambry Genetics
Classification: Uncertain significance for Inborn genetic diseases. Last evaluated: 2025-11-26. Review status: criteria provided, single submitter. Criteria: Ambry Variant Classification Scheme 2023. Collection method: clinical testing. Allele origin: germline.

Labcorp Genetics (formerly Invitae), Labcorp
Classification: Uncertain significance for Combined immunodeficiency due to LRBA deficiency. Last evaluated: 2022-05-31. Review status: criteria provided, single submitter. Criteria: Invitae Variant Classification Sherloc (09022015). Collection method: clinical testing. Allele origin: germline.
Comment: This sequence change replaces asparagine, which is neutral and polar, with serine, which is neutral and polar, at codon 2407 of the LRBA protein (p.Asn2407Ser). This variant is present in population databases (rs149731019, gnomAD 0.04%). This variant has not been reported in the literature in individuals affected with LRBA-related conditions. ClinVar contains an entry for this variant (Variation ID: 540386). Algorithms developed to predict the effect of missense changes on protein structure and function are either unavailable or do not agree on the potential impact of this missense change (SIFT: "Tolerated"; PolyPhen-2: "Probably Damaging"; Align-GVGD: "Class C0"). In summary, the available evidence is currently insufficient to determine the role of this variant in disease. Therefore, it has been classified as a Variant of Uncertain Significance.